The following is an entry in ClinVar:

NM_000159.4(GCDH):c.784G>A (p.Gly262Ser)

Gene: GCDH (glutaryl-CoA dehydrogenase; plus strand). Cytogenetic location: 19p13.13.
Variant type: single nucleotide variant.
Coding change: c.784G>A on transcript NM_000159.4 (MANE Select); coding-DNA position 784, G replaced by A.
Protein change: p.Gly262Ser; replaces glycine 262 with serine.
Molecular consequence: missense variant. On other transcripts: non-coding transcript variant (2).
Genome position (GRCh38, 1-based): chr19:12,896,353, G>A. VCF-style: chr19-12896353-G-A. GRCh37 (hg19) VCF-style: chr19-13007167-G-A.
Other names: c.784G>A, p.Gly262Ser (NM_013976.5); short protein forms G262S.
Identifiers: ClinVar variation 5003353 (VCV005003353.1).

ClinVar aggregate classification (germline): Uncertain significance (1 of 4 stars; one submission).

Conditions:
Glutaric aciduria, type 1. Also called: Glutaricacidemia Type 1; Glutaricaciduria, type I; GA I; Glutaric Acidemia Type 1; Glutaryl-CoA dehydrogenase deficiency; Glutaric acidemia type I. Identifiers: Orphanet 25, MedGen C0268595, MONDO:0009281, OMIM 231670.

Submission:

Myriad Genetics, Inc.
Classification: Uncertain significance for Glutaric aciduria, type 1. Last evaluated: 2026-01-13. Review status: criteria provided, single submitter. Criteria: Myriad Autosomal Dominant, Autosomal Recessive and X-Linked Classification Criteria (2023). Collection method: clinical testing. Allele origin: unknown.
Comment: NM_000159.2(GCDH):c.784G>A(G262S) is a missense variant classified as a variant of uncertain significance in the context of glutaric acidemia, GCDH-related. G262S has been observed in cases with relevant disease (PMID: 32508882, 33176815, 39914293). Relevant functional assessments of this variant are not available in the literature. G262S has not been observed in referenced population frequency databases. In summary, there is insufficient evidence to classify NM_000159.2(GCDH):c.784G>A(G262S) as pathogenic or benign. Please note: this variant was assessed in the context of healthy population screening.

Literature cited by the submitters: PubMed 32508882; PubMed 33176815; PubMed 39914293.